The following is an entry in ClinVar:

ClinVar aggregate classification (germline): Uncertain significance (1 of 4 stars; one submission).

Submission:

Labcorp Genetics (formerly Invitae), Labcorp
Classification: Uncertain significance. Last evaluated: 2022-01-16. Review status: criteria provided, single submitter. Criteria: Invitae Variant Classification Sherloc (09022015). Collection method: clinical testing. Allele origin: germline.
Comment: This sequence change falls in intron 6 of the SLC34A3 gene. It does not directly change the encoded amino acid sequence of the SLC34A3 protein. It affects a nucleotide within the consensus splice site. This variant is not present in population databases (gnomAD no frequency). This variant has not been reported in the literature in individuals affected with SLC34A3-related conditions. Variants that disrupt the consensus splice site are a relatively common cause of aberrant splicing (PMID: 17576681, 9536098). Algorithms developed to predict the effect of sequence changes on RNA splicing suggest that this variant may disrupt the consensus splice site. In summary, the available evidence is currently insufficient to determine the role of this variant in disease. Therefore, it has been classified as a Variant of Uncertain Significance.

Literature cited by the submitters: PubMed 17576681; PubMed 9536098.

NM_001177316.2(SLC34A3):c.560+4A>T

Gene: SLC34A3 (solute carrier family 34 member 3; plus strand). Cytogenetic location: 9q34.3.
Variant type: single nucleotide variant.
Coding change: c.560+4A>T on transcript NM_001177316.2 (MANE Select); 4 bases into the intron after coding-DNA position 560, A replaced by T.
Molecular consequence: intron variant.
Genome position (GRCh38, 1-based): chr9:137,233,119, A>T. VCF-style: chr9-137233119-A-T. GRCh37 (hg19) VCF-style: chr9-140127571-A-T.
Other names: c.560+4A>T (NM_001177317.2, NM_080877.3).
Identifiers: ClinVar variation 2086593 (VCV002086593.4), dbSNP rs2538804581, ClinGen allele CA2580080966.
Genomic context (GRCh38, chr9:137,233,119, plus strand): 5'-CATCACCAGCACCCTGGTCTCAATGGCGCAGTCAGGGGACCGGGATGAATTTCAGAGGTG[A>T]GTTGTGGGTGGAAGGGCTGGGCTGGGGCTGCAGTGGCAGCCCCAGCCCGGGCCCCCCCAC-3'